The following is an entry in ClinVar:

NM_000051.4(ATM):c.8490T>C (p.Val2830=)

Genes: C11orf65 (chromosome 11 open reading frame 65; minus strand), ATM (ATM serine/threonine kinase; plus strand). Cytogenetic location: 11q22.3.
Variant type: single nucleotide variant.
Coding change: c.8490T>C on transcript NM_000051.4 (MANE Select); coding-DNA position 8490, T replaced by C.
Protein change: p.Val2830=; no amino-acid change (valine 2830 retained).
Molecular consequence: synonymous variant. On other transcripts: intron variant (2).
Genome position (GRCh38, 1-based): chr11:108,345,814, T>C. VCF-style: chr11-108345814-T-C. GRCh37 (hg19) VCF-style: chr11-108216541-T-C.
Other names: c.8490T>C, p.Val2830= (NM_001351834.2); c.641-36743A>G (NM_001330368.2); c.695-10522A>G (NM_001351110.2).
Identifiers: ClinVar variation 1597871 (VCV001597871.9), dbSNP rs773149592, ClinGen allele CA6266373.

ClinVar aggregate classification (germline): Benign/Likely benign. Review status: criteria provided, multiple submitters, no conflicts (2 of 4 stars). 2 submissions from 2 submitters: Benign (1); Likely benign (1). Last evaluated 2024-06-20.

Conditions:
Familial cancer of breast. Also called: BREAST CANCER, FAMILIAL; Hereditary breast cancer; hereditary breast carcinoma. Identifiers: Orphanet 227535, MedGen C0346153, MONDO:0016419, OMIM 114480. Disease mechanism: loss of function.
Ataxia-telangiectasia syndrome (AT). Also called: LOUIS-BAR SYNDROME; Cerebello-oculocutaneous telangiectasia; Immunodeficiency with ataxia telangiectasia; Ataxia telangiectasia (A-T); Ataxia-telangiectasia, complementation group D; AT, COMPLEMENTATION GROUP C. Identifiers: Orphanet 100, MedGen C0004135, MONDO:0008840, OMIM 208900.

Allele frequency attached by ClinVar (database versions not stated): ExAC 0.00001; gnomAD exomes below 0.00001.
gnomAD v4.1: 1 of 1,613,946 alleles (0.000062%); highest among the groups gnomAD compares: Non-Finnish European, 0.000085%; no homozygotes.

Submissions (2):

Myriad Genetics, Inc.
Classification: Benign for Familial cancer of breast. Last evaluated: 2024-06-20. Review status: criteria provided, single submitter. Criteria: Myriad Autosomal Dominant, Autosomal Recessive and X-Linked Classification Criteria (2023). Collection method: clinical testing. Allele origin: unknown.
Comment: This variant is considered benign. This variant is a silent/synonymous amino acid change and it is not expected to impact splicing.

Labcorp Genetics (formerly Invitae), Labcorp
Classification: Likely benign for Ataxia-telangiectasia syndrome. Last evaluated: 2022-02-17. Review status: criteria provided, single submitter. Criteria: Invitae Variant Classification Sherloc (09022015). Collection method: clinical testing. Allele origin: germline.